The following is an entry in ClinVar:

NM_000271.5(NPC1):c.1843C>G (p.Arg615Gly)

Gene: NPC1 (NPC intracellular cholesterol transporter 1; minus strand). Cytogenetic location: 18q11.2.
Variant type: single nucleotide variant.
Coding change: c.1843C>G on transcript NM_000271.5 (MANE Select); coding-DNA position 1843, C replaced by G.
Protein change: p.Arg615Gly; replaces arginine 615 with glycine.
Molecular consequence: missense variant.
Genome position (GRCh38, 1-based): chr18:23,545,064, G>C on the plus strand (C>G on the coding strand, the complement: NPC1 is on the minus strand). VCF-style: chr18-23545064-G-C. GRCh37 (hg19) VCF-style: chr18-21125028-G-C.
Other names: short protein forms R615G.
Identifiers: ClinVar variation 3691552 (VCV003691552.2).

ClinVar aggregate classification (germline): Likely pathogenic (1 of 4 stars; one submission).

Conditions:
Niemann-Pick disease, type C1. Also called: NEUROVISCERAL STORAGE DISEASE WITH VERTICAL SUPRANUCLEAR OPHTHALMOPLEGIA; NIEMANN-PICK DISEASE WITH CHOLESTEROL ESTERIFICATION BLOCK; NIEMANN-PICK DISEASE WITHOUT SPHINGOMYELINASE DEFICIENCY; NIEMANN-PICK DISEASE, CHRONIC NEURONOPATHIC FORM; NIEMANN-PICK DISEASE, VARIANT TYPE C1. Identifiers: Orphanet 646, MedGen C3179455, MONDO:0009757, OMIM 257220.

Submission:

Labcorp Genetics (formerly Invitae), Labcorp
Classification: Likely pathogenic for Niemann-Pick disease, type C1. Last evaluated: 2024-05-22. Review status: criteria provided, single submitter. Criteria: Invitae Variant Classification Sherloc (09022015). Collection method: clinical testing. Allele origin: germline.
Comment: This sequence change replaces arginine, which is basic and polar, with glycine, which is neutral and non-polar, at codon 615 of the NPC1 protein (p.Arg615Gly). This variant is not present in population databases (gnomAD no frequency). This variant has not been reported in the literature in individuals affected with NPC1-related conditions. Advanced modeling of protein sequence and biophysical properties (such as structural, functional, and spatial information, amino acid conservation, physicochemical variation, residue mobility, and thermodynamic stability) performed at Invitae indicates that this missense variant is expected to disrupt NPC1 protein function with a positive predictive value of 95%. This variant disrupts the p.Arg615 amino acid residue in NPC1. Other variant(s) that disrupt this residue have been determined to be pathogenic (PMID: 26666848). This suggests that this residue is clinically significant, and that variants that disrupt this residue are likely to be disease-causing. In summary, the currently available evidence indicates that the variant is pathogenic, but additional data are needed to prove that conclusively. Therefore, this variant has been classified as Likely Pathogenic.

Literature cited by the submitters: PubMed 26666848.